The following is an entry in ClinVar:

ClinVar aggregate classification (germline): Pathogenic (1 of 4 stars; one submission).

Submission:

Labcorp Genetics (formerly Invitae), Labcorp
Classification: Pathogenic. Last evaluated: 2024-01-25. Review status: criteria provided, single submitter. Criteria: Invitae Variant Classification Sherloc (09022015). Collection method: clinical testing. Allele origin: germline.
Comment: This sequence change creates a premature translational stop signal (p.Ser571*) in the PLOD2 gene. It is expected to result in an absent or disrupted protein product. Loss-of-function variants in PLOD2 are known to be pathogenic (PMID: 22689593, 25238597, 29178448). This variant is not present in population databases (gnomAD no frequency). This variant has not been reported in the literature in individuals affected with PLOD2-related conditions. Algorithms developed to predict the effect of sequence changes on RNA splicing suggest that this variant may disrupt the consensus splice site. For these reasons, this variant has been classified as Pathogenic.

Literature cited by the submitters: PubMed 22689593; PubMed 25238597; PubMed 29178448.

NM_182943.3(PLOD2):c.1712del (p.Tyr570_Ser571insTer)

Gene: PLOD2 (procollagen-lysine,2-oxoglutarate 5-dioxygenase 2; minus strand). Cytogenetic location: 3q24.
Variant type: Deletion.
Coding change: c.1712del on transcript NM_182943.3 (MANE Select); coding-DNA position 1712, one base deleted (C; older notation c.1712delC).
Protein change: p.Tyr570_Ser571insTer.
Molecular consequence: nonsense.
Genome position (GRCh38, 1-based): chr3:146,073,318, G deleted on the plus strand (C on the coding strand, the reverse complement: PLOD2 is on the minus strand). VCF-style (leftmost placement, unchanged base first): chr3-146073317-TG-T. GRCh37 (hg19) VCF-style: chr3-145791104-TG-T.
Other names: c.1649del, p.Tyr549_Ser550insTer (NM_000935.3).
Identifiers: ClinVar variation 2711440 (VCV002711440.3), dbSNP rs2473222978, ClinGen allele CA2697556908.